The following is an entry in ClinVar:

ClinVar aggregate classification (germline): Uncertain significance (1 of 4 stars; one submission).

Allele frequency attached by ClinVar (database versions not stated): gnomAD exomes 0.00002 and 0.00005; TOPMed 0.00002; ExAC 0.00003; gnomAD 0.00003; ESP Exome Variant Server 0.00008.
gnomAD v4.1: 76 of 1,613,164 alleles (0.0047%); highest among the groups gnomAD compares: South Asian, 0.0077%; no homozygotes.

Submission:

Labcorp Genetics (formerly Invitae), Labcorp
Classification: Uncertain significance. Last evaluated: 2022-07-25. Review status: criteria provided, single submitter. Criteria: Invitae Variant Classification Sherloc (09022015). Collection method: clinical testing. Allele origin: germline.
Comment: This sequence change replaces arginine, which is basic and polar, with cysteine, which is neutral and slightly polar, at codon 303 of the LAMC3 protein (p.Arg303Cys). This variant is present in population databases (rs376297941, gnomAD 0.007%). This variant has not been reported in the literature in individuals affected with LAMC3-related conditions. ClinVar contains an entry for this variant (Variation ID: 1439772). Algorithms developed to predict the effect of missense changes on protein structure and function (SIFT, PolyPhen-2, Align-GVGD) all suggest that this variant is likely to be tolerated. Algorithms developed to predict the effect of sequence changes on RNA splicing suggest that this variant may create or strengthen a splice site. In summary, the available evidence is currently insufficient to determine the role of this variant in disease. Therefore, it has been classified as a Variant of Uncertain Significance.

NM_006059.4(LAMC3):c.907C>T (p.Arg303Cys)

Gene: LAMC3 (laminin subunit gamma 3; plus strand). Cytogenetic location: 9q34.12.
Variant type: single nucleotide variant.
Coding change: c.907C>T on transcript NM_006059.4 (MANE Select); coding-DNA position 907, C replaced by T.
Protein change: p.Arg303Cys; replaces arginine 303 with cysteine.
Molecular consequence: missense variant.
Genome position (GRCh38, 1-based): chr9:131,036,263, C>T. VCF-style: chr9-131036263-C-T. GRCh37 (hg19) VCF-style: chr9-133911650-C-T.
Other names: short protein forms R303C.
Identifiers: ClinVar variation 1439772 (VCV001439772.3), dbSNP rs376297941, ClinGen allele CA5286862.